The following continues an entry in ClinVar:

NM_000258.3(MYL3):c.530A>G (p.Glu177Gly)

Gene: MYL3. ClinVar aggregate classification (germline): Uncertain significance. Uncertain significance (13).

Submissions 8 to 19 of 19:

Victorian Clinical Genetics Services, Murdoch Childrens Research Institute
Classification: Uncertain significance for Hypertrophic cardiomyopathy 8. Last evaluated: 2022-09-02. Review status: criteria provided, single submitter. Criteria: ACMG Guidelines, 2015. Collection method: clinical testing. Allele origin: germline. Affected: yes.
Comment: Based on the classification scheme VCGS_Germline_v1.1.1, this variant is classified as VUS – 3B. Following criteria are met: 0102 - Loss of function is a known mechanism of disease for this gene (PMID: 12021217). (N) 0108 - This gene is known to be associated with both recessive and dominant disease. Recessive HCM (PMID: 12021217) and dominant HCM (PMID: 26443374). (N) 0112 - Variants in this gene are known to have reduced penetrance (PMID: 20641121, 26443374). (N) 0200 - Variant is predicted to result in a missense amino acid change from glutamic acid to glycine (exon 5). (N) 0252 - Variant is homozygous. (N) 0302 - Variant is present in gnomAD <0.001 for a dominant condition (16 heterozygotes, 0 homozygotes). (P) 0501 - Missense variant consistently predicted to be damaging by multiple in silico tools or highly conserved with a major amino acid change. (P) 0600 - Variant is located in an annotated domain or motif. Variant is located in the EF-hand (3) domain (PDB). (N) 0705 - No comparable variants have previous evidence for pathogenicity. (N) 0808 - Previous reports of pathogenicity are conflicting. This variant has been identified in three HCM patients (VCGS, PMID: 23594557, PMID: 25351510), one patient with ‘abnormality of the cardiovascular system’ (PMID: 26633542), and has nine VUS entries in ClinVar. (N) 0905 - No segregation evidence has been identified for this variant. (N) 1007 - No published functional evidence has been identified for this variant. (N) 1208 - Inheritance information for this variant is not currently available. (N)

Laboratory for Molecular Medicine, Mass General Brigham Personalized Medicine
Classification: Uncertain significance for Hypertrophic cardiomyopathy. Last evaluated: 2022-06-30. Review status: criteria provided, single submitter. Criteria: ACMG Guidelines, 2015. Collection method: clinical testing. Allele origin: germline.
Comment: The p.Glu177Gly variant in MYL3 has been reported in at least 5 individuals with HCM (Jay 2013 PMID: 23594557, Lopes 2015 PMID: 25351510; Burstein 2021 PMID: 32746448, Ambry and GeneDx personal communication; ClinVar Variation ID 36648), but was also identified in 0.3% (1/316) of Middle Eastern and 0.02% (1/3470) of Ashkenazi Jewish chromosomes by the Genome Aggregation Database, v. 3 (gnomAD; dbSNP rs193922391). This variant has also been reported in ClinVar (Variation ID 36648). Computational prediction tools and conservation analyses suggest that this variant may impact the protein, though this information is not predictive enough to determine pathogenicity. In summary, the clinical significance of the p.Glu177Gly variant is uncertain. ACMG/AMP Criteria applied: PS4_Supporting, PP3, BS1.

Ambry Genetics
Classification: Uncertain significance for Cardiovascular phenotype. Last evaluated: 2022-06-07. Review status: criteria provided, single submitter. Criteria: Ambry Variant Classification Scheme 2023. Collection method: clinical testing. Allele origin: germline.

Fulgent Genetics
Classification: Uncertain significance for Hypertrophic cardiomyopathy 8. Last evaluated: 2021-10-16. Review status: criteria provided, single submitter. Criteria: ACMG Guidelines, 2015. Collection method: clinical testing. Allele origin: unknown.

GeneDx
Classification: Uncertain significance. Last evaluated: 2021-03-03. Review status: criteria provided, single submitter. Criteria: GeneDx Variant Classification Process June 2021. Collection method: clinical testing. Allele origin: germline. Affected: yes.
Comment: Reported in association with hypertrophic cardiomyopathy (Bick et al., 2012; Jay et al., 2013); In silico analysis supports that this missense variant has a deleterious effect on protein structure/function; This variant is associated with the following publications: (PMID: 25637381, 22958901, 23594557, 25351510, 30706179, 31618753)

Stanford Center for Inherited Cardiovascular Disease, Stanford University
Classification: Uncertain significance. Last evaluated: 2015-09-08. Review status: criteria provided, single submitter. Criteria: ACMG Guidelines, 2015. Collection method: provider interpretation. Allele origin: germline.

PreventionGenetics, part of Exact Sciences
Classification: Uncertain significance for MYL3-related condition. Last evaluated: 2024-09-12. Review status: no assertion criteria provided. Collection method: clinical testing. Allele origin: germline. Not counted in ClinVar's aggregate classification.
Comment: The MYL3 c.530A>G variant is predicted to result in the amino acid substitution p.Glu177Gly. This variant has been reported in the heterozygous and homozygous states in individuals with hypertrophic cardiomyopathy (see, for example, Jay et al. 2013. PubMed ID: 23594557; Allouba et al. 2023. PubMed ID: 37431535; Table S8, McGurk et al. 2023. PubMed ID: 37652022). It has also been identified in unaffected individuals (Allouba et al. 2023. PubMed ID: 37431535; Table S8, McGurk et al. 2023. PubMed ID: 37652022). An in vitro experimental study indicated this variant did not affect the sliding velocity of F-actin compared to wild type, but calcium sensitivity was increased (Yampolskaya et al. 2022. PubMed ID: 36509720). This variant is reported in 0.039% of alleles in individuals of Ashkenazi Jewish descent in gnomAD. At this time, the clinical significance of this variant is uncertain due to the absence of conclusive functional and genetic evidence.

CSER _CC_NCGL, University of Washington
Classification: Uncertain significance for Cardiomyopathy, hypertrophic. Last evaluated: 2014-06-01. Review status: no assertion criteria provided. Collection method: research. Allele origin: germline. Inheritance: Autosomal dominant inheritance. Study: ESP 6500 variant annotation. Not counted in ClinVar's aggregate classification.
Comment: Variants classified for the Actionable exomic incidental findings in 6503 participants: challenges of variant classification manuscript

Clinical Genetics DNA and cytogenetics Diagnostics Lab, Erasmus MC, Erasmus Medical Center
Classification: Uncertain significance. Review status: no assertion criteria provided. Collection method: clinical testing. Allele origin: germline. Affected: yes. Study: VKGL Data-share Consensus. Not counted in ClinVar's aggregate classification.

Clinical Genetics, Academic Medical Center
Classification: Uncertain significance. Review status: no assertion criteria provided. Collection method: clinical testing. Allele origin: germline. Affected: yes. Study: VKGL Data-share Consensus. Not counted in ClinVar's aggregate classification.

Diagnostic Laboratory, Department of Genetics, University Medical Center Groningen
Classification: Uncertain significance. Review status: no assertion criteria provided. Collection method: clinical testing. Allele origin: germline. Affected: yes. Study: VKGL Data-share Consensus. Not counted in ClinVar's aggregate classification.

Joint Genome Diagnostic Labs from Nijmegen and Maastricht, Radboudumc and MUMC+
Classification: Uncertain significance. Review status: no assertion criteria provided. Collection method: clinical testing. Allele origin: germline. Affected: yes. Study: VKGL Data-share Consensus. Not counted in ClinVar's aggregate classification.

Literature cited by the submitters: PubMed 22958901 (cited by 4 submitters); PubMed 23594557 (cited by 6 submitters); PubMed 25637381 (cited by Women's Health and Genetics/Laboratory Corporation of America, LabCorp and Laboratory for Molecular Medicine, Mass General Brigham Personalized Medicine); PubMed 26633542 (cited by 5 submitters); PubMed 32746448 (cited by 3 submitters); PubMed 35626289 (cited by Women's Health and Genetics/Laboratory Corporation of America, LabCorp and Labcorp Genetics (formerly Invitae), Labcorp); PubMed 37652022 (cited by Women's Health and Genetics/Laboratory Corporation of America, LabCorp and Labcorp Genetics (formerly Invitae), Labcorp); PubMed 37725123 (cited by Women's Health and Genetics/Laboratory Corporation of America, LabCorp); PubMed 31618753 (cited by 3 submitters); PubMed 36509720 (cited by Labcorp Genetics (formerly Invitae), Labcorp and Color Diagnostics, LLC DBA Color Health); PubMed 25351510 (cited by 4 submitters); PubMed 30847666 (cited by Color Diagnostics, LLC DBA Color Health and All of Us Research Program, National Institutes of Health); PubMed 37431535 (cited by Color Diagnostics, LLC DBA Color Health); PubMed 12021217 (cited by Victorian Clinical Genetics Services, Murdoch Childrens Research Institute); PubMed 20641121 (cited by Victorian Clinical Genetics Services, Murdoch Childrens Research Institute); PubMed 26443374 (cited by Victorian Clinical Genetics Services, Murdoch Childrens Research Institute).